The following is an entry in ClinVar:

ClinVar aggregate classification (germline): Likely benign (1 of 4 stars; one submission).

Allele frequency attached by ClinVar (database versions not stated): gnomAD exomes below 0.00001; TOPMed below 0.00001; gnomAD 0.00001.
gnomAD v4.1: 2 of 1,612,336 alleles (0.00012%); highest among the groups gnomAD compares: Non-Finnish European, 0.00017%; no homozygotes.

Submission:

CeGaT Center for Human Genetics Tuebingen
Classification: Likely benign. Last evaluated: 2024-02-01. Review status: criteria provided, single submitter. Criteria: CeGaT Center For Human Genetics Tuebingen Variant Classification Criteria Version 2. Collection method: clinical testing. Allele origin: germline. Affected: yes. Observed: 1 variant allele.
Comment: TTN: BP4, BP7

NM_001267550.2(TTN):c.48984A>G (p.Thr16328=)

Genes: TTN (titin; minus strand), TTN-AS1 (TTN antisense RNA 1; plus strand), LOC126806426 (BRD4-independent group 4 enhancer GRCh37_chr2:179478848-179480047; plus strand). Cytogenetic location: 2q31.2.
Variant type: single nucleotide variant.
Coding change: c.48984A>G on transcript NM_001267550.2 (MANE Select); coding-DNA position 48984, A replaced by G.
Protein change: p.Thr16328=; no amino-acid change (threonine 16328 retained).
Molecular consequence: synonymous variant. On other transcripts: non-coding transcript variant (1).
Genome position (GRCh38, 1-based): chr2:178,614,530, T>C on the plus strand (A>G on the coding strand, the complement: TTN is on the minus strand). VCF-style: chr2-178614530-T-C. GRCh37 (hg19) VCF-style: chr2-179479257-T-C.
Other names: c.44061A>G, p.Thr14687= (NM_001256850.1); c.21789A>G, p.Thr7263= (NM_003319.4); c.41280A>G, p.Thr13760= (NM_133378.4); c.22164A>G, p.Thr7388= (NM_133432.3); c.22365A>G, p.Thr7455= (NM_133437.4).
Identifiers: ClinVar variation 3027198 (VCV003027198.22), dbSNP rs1172891900, ClinGen allele CA430273480.
Genomic context (GRCh38, chr2:178,614,530, plus strand): 5'-GACGTTCACTTCCACCACAGCAGTGGCCCGGCCACACACATTCACAGCCTCAATGATATA[T>C]GTGCCAGTGTCACTTCTCTTACTATCAACAATAGTCACTGTGGATTTCTTAGGGACATTT-3'
Protein context (NP_001254479.2, residues 16318-16338): IVDSKRSDTG[Thr16328=]YIIEAVNVCG